The following is an entry in ClinVar:

ClinVar aggregate classification (germline): Pathogenic. Review status: no assertion criteria provided (0 of 4 stars). 2 submissions from 2 submitters: Pathogenic (2). Last evaluated 2012-11-08.

Conditions:
Parietal foramina 2 (PFM2). Identifiers: Orphanet 60015, MedGen C1865044, MONDO:0012309, OMIM 609597.

Allele frequency attached by ClinVar (database versions not stated): gnomAD exomes below 0.00001 and 0.00001; ExAC 0.00001.
gnomAD v4.1: 5 of 1,613,966 alleles (0.00031%); highest among the groups gnomAD compares: Admixed American, 0.0017%; no homozygotes.

Submissions (2):

GeneReviews
Classification: Pathogenic for Enlarged Parietal Foramina. Last evaluated: 2012-11-08. Review status: no assertion criteria provided. Collection method: curation. Allele origin: unknown.
ClinVar note: Converted during submission from pathologic to Pathogenic.

OMIM
Classification: Pathogenic for PARIETAL FORAMINA 2. Last evaluated: 2006-02-01. Review status: no assertion criteria provided. Collection method: literature only. Allele origin: germline.

Literature cited by the submitters: PubMed 11137991 (cited by OMIM); PubMed 16319823 (cited by OMIM).

NM_021926.4(ALX4):c.653G>A (p.Arg218Gln)

Gene: ALX4 (ALX homeobox 4; minus strand). Cytogenetic location: 11p11.2.
Variant type: single nucleotide variant.
Coding change: c.653G>A on transcript NM_021926.4 (MANE Select); coding-DNA position 653, G replaced by A.
Protein change: p.Arg218Gln; replaces arginine 218 with glutamine.
Molecular consequence: missense variant.
Genome position (GRCh38, 1-based): chr11:44,275,472, C>T on the plus strand (G>A on the coding strand, the complement: ALX4 is on the minus strand). VCF-style: chr11-44275472-C-T. GRCh37 (hg19) VCF-style: chr11-44297022-C-T.
Other names: c.653G>A, p.Arg218Gln (LRG_1256t1); short protein forms R218Q.
Identifiers: ClinVar variation 5015 (VCV000005015.3), dbSNP rs104894193, ClinGen allele CA340336.
Genomic context (GRCh38, chr11:44,275,472, plus strand): 5'-TAGTGGGTCTTCTGGAAGACCTTCTCCAGCTCCTCCAGCTGGTAGCTGGTGAAGGTGGTC[C>T]GGTTCCGCCGCTTCTTGCCCTTGTTGCTCTCTGAGTCGGCCTTCTCCAATGGGCTGGGGA-3'
Protein context (NP_068745.2, residues 208-228): ESNKGKKRRN[Arg218Gln]TTFTSYQLEE